The following is an entry in ClinVar:

NM_014905.5(GLS):c.790T>C (p.Ser264Pro)

Gene: GLS (glutaminase; plus strand). Cytogenetic location: 2q32.2.
Variant type: single nucleotide variant.
Coding change: c.790T>C on transcript NM_014905.5 (MANE Select); coding-DNA position 790, T replaced by C.
Protein change: p.Ser264Pro; replaces serine 264 with proline.
Molecular consequence: missense variant.
Genome position (GRCh38, 1-based): chr2:190,902,001, T>C. VCF-style: chr2-190902001-T-C. GRCh37 (hg19) VCF-style: chr2-191766727-T-C.
Other names: c.790T>C, p.Ser264Pro (NM_001256310.2); short protein forms S264P.
Identifiers: ClinVar variation 3520677 (VCV003520677.1).

ClinVar aggregate classification (germline): Uncertain significance (1 of 4 stars; one submission).

Conditions:
Inborn genetic diseases. Identifiers: MedGen C0950123, MeSH D030342.

Submission:

Ambry Genetics
Classification: Uncertain significance for Inborn genetic diseases. Last evaluated: 2024-10-07. Review status: criteria provided, single submitter. Criteria: Ambry Variant Classification Scheme 2023. Collection method: clinical testing. Allele origin: germline.
Comment: The c.790T>C (p.S264P) alteration is located in exon 5 (coding exon 5) of the GLS gene. This alteration results from a T to C substitution at nucleotide position 790, causing the serine (S) at amino acid position 264 to be replaced by a proline (P). This variant was not reported in population-based cohorts in the Genome Aggregation Database (gnomAD). This amino acid position is well conserved in available vertebrate species. This alteration is predicted to be deleterious by in silico analysis. Based on insufficient or conflicting evidence, the clinical significance of this alteration remains unclear.